The following is an entry in ClinVar:

NM_017841.4(SDHAF2):c.409A>G (p.Met137Val)

Gene: SDHAF2 (succinate dehydrogenase complex assembly factor 2; plus strand). Cytogenetic location: 11q12.2.
Variant type: single nucleotide variant.
Coding change: c.409A>G on transcript NM_017841.4 (MANE Select); coding-DNA position 409, A replaced by G.
Protein change: p.Met137Val; replaces methionine 137 with valine.
Molecular consequence: missense variant.
Genome position (GRCh38, 1-based): chr11:61,445,979, A>G. VCF-style: chr11-61445979-A-G. GRCh37 (hg19) VCF-style: chr11-61213451-A-G.
Other names: short protein forms M137V.
Identifiers: ClinVar variation 1737800 (VCV001737800.7), dbSNP rs1590769285, ClinGen allele CA380685325.

ClinVar aggregate classification (germline): Uncertain significance. Review status: criteria provided, multiple submitters, no conflicts (2 of 4 stars). 2 submissions from 2 submitters: Uncertain significance (2). Last evaluated 2022-07-06.

Conditions:
Hereditary pheochromocytoma and paraganglioma. Also called: Hereditary pheochromocytoma-paraganglioma; Hereditary paragangliomas and pheochromocytomas; Hereditary Paraganglioma-Pheochromocytoma Syndromes. Identifiers: Orphanet 29072, MedGen C4274332, MONDO:0017366.
Hereditary cancer-predisposing syndrome. Also called: Neoplastic Syndromes, Hereditary; Tumor predisposition; Hereditary Cancer Syndrome; Hereditary neoplastic syndrome. Identifiers: Orphanet 140162, MedGen C0027672, MeSH D009386, MONDO:0015356.

Submissions (2):

Labcorp Genetics (formerly Invitae), Labcorp
Classification: Uncertain significance for Hereditary pheochromocytoma and paraganglioma. Last evaluated: 2022-07-06. Review status: criteria provided, single submitter. Criteria: Invitae Variant Classification Sherloc (09022015). Collection method: clinical testing. Allele origin: germline.
Comment: This sequence change replaces methionine, which is neutral and non-polar, with valine, which is neutral and non-polar, at codon 137 of the SDHAF2 protein (p.Met137Val). This variant is not present in population databases (gnomAD no frequency). This variant has not been reported in the literature in individuals affected with SDHAF2-related conditions. Algorithms developed to predict the effect of missense changes on protein structure and function (SIFT, PolyPhen-2, Align-GVGD) all suggest that this variant is likely to be tolerated. In summary, the available evidence is currently insufficient to determine the role of this variant in disease. Therefore, it has been classified as a Variant of Uncertain Significance.

Ambry Genetics
Classification: Uncertain significance for Hereditary cancer-predisposing syndrome. Last evaluated: 2020-10-25. Review status: criteria provided, single submitter. Criteria: Ambry Variant Classification Scheme 2023. Collection method: clinical testing. Allele origin: germline.
Comment: The p.M137V variant (also known as c.409A>G), located in coding exon 4 of the SDHAF2 gene, results from an A to G substitution at nucleotide position 409. The methionine at codon 137 is replaced by valine, an amino acid with highly similar properties. This amino acid position is not well conserved in available vertebrate species. In addition, the in silico prediction for this alteration is inconclusive. Since supporting evidence is limited at this time, the clinical significance of this alteration remains unclear.